The following is an entry in ClinVar:

ClinVar aggregate classification (germline): Likely benign (1 of 4 stars; one submission).

gnomAD v4.1: 23 of 1,612,864 alleles (0.0014%); highest among the groups gnomAD compares: South Asian, 0.013%; no homozygotes.

Submission:

CeGaT Center for Human Genetics Tuebingen
Classification: Likely benign. Last evaluated: 2024-11-01. Review status: criteria provided, single submitter. Criteria: CeGaT Center For Human Genetics Tuebingen Variant Classification Criteria Version 2. Collection method: clinical testing. Allele origin: germline. Affected: yes. Observed: 1 variant allele.
Comment: DNAH17: BP4, BP7

NM_173628.4(DNAH17):c.10890C>T (p.Ile3630=)

Gene: DNAH17 (dynein axonemal heavy chain 17; minus strand). Cytogenetic location: 17q25.3.
Variant type: single nucleotide variant.
Coding change: c.10890C>T on transcript NM_173628.4 (MANE Select); coding-DNA position 10890, C replaced by T.
Protein change: p.Ile3630=; no amino-acid change (isoleucine 3630 retained).
Molecular consequence: synonymous variant.
Genome position (GRCh38, 1-based): chr17:78,450,691, G>A on the plus strand (C>T on the coding strand, the complement: DNAH17 is on the minus strand). VCF-style: chr17-78450691-G-A. GRCh37 (hg19) VCF-style: chr17-76446773-G-A.
Identifiers: ClinVar variation 3389331 (VCV003389331.14).